The following is an entry in ClinVar:

ClinVar aggregate classification (germline): Uncertain significance (1 of 4 stars; one submission).

Allele frequency attached by ClinVar (database versions not stated): ExAC 0.00001; gnomAD 0.00002; TOPMed 0.00002.
gnomAD v4.1: 3 of 1,613,872 alleles (0.00019%); highest among the groups gnomAD compares: African/African-American, 0.004%; no homozygotes.

Submission:

Ambry Genetics
Classification: Uncertain significance. Last evaluated: 2024-01-13. Review status: criteria provided, single submitter. Criteria: Ambry Variant Classification Scheme 2023. Collection method: clinical testing. Allele origin: germline.
Comment: The p.G1095W variant (also known as c.3283G>T), located in coding exon 16 of the POLQ gene, results from a G to T substitution at nucleotide position 3283. The glycine at codon 1095 is replaced by tryptophan, an amino acid with highly dissimilar properties. This amino acid position is conserved. In addition, this alteration is predicted to be tolerated by in silico analysis. Since supporting evidence is limited at this time, the clinical significance of this alteration remains unclear.

NM_199420.4(POLQ):c.3283G>T (p.Gly1095Trp)

Gene: POLQ (DNA polymerase theta; minus strand). Cytogenetic location: 3q13.33.
Variant type: single nucleotide variant.
Coding change: c.3283G>T on transcript NM_199420.4 (MANE Select); coding-DNA position 3283, G replaced by T.
Protein change: p.Gly1095Trp; replaces glycine 1095 with tryptophan.
Molecular consequence: missense variant.
Genome position (GRCh38, 1-based): chr3:121,489,648, C>A on the plus strand (G>T on the coding strand, the complement: POLQ is on the minus strand). VCF-style: chr3-121489648-C-A. GRCh37 (hg19) VCF-style: chr3-121208495-C-A.
Other names: short protein forms G1095W.
Identifiers: ClinVar variation 1729772 (VCV001729772.2), dbSNP rs752625039, ClinGen allele CA2563083.